The following is an entry in ClinVar:

ClinVar aggregate classification (germline): Uncertain significance (1 of 4 stars; one submission).

Conditions:
Gorlin syndrome. Also called: Nevoid Basal Cell Carcinoma Syndrome; Basal cell nevus syndrome. Identifiers: Orphanet 377, MedGen C0004779, MONDO:0007187.

Allele frequency attached by ClinVar (database versions not stated): gnomAD exomes below 0.00001; TOPMed below 0.00001; ExAC 0.00001; gnomAD 0.00001.
gnomAD v4.1: 5 of 1,613,986 alleles (0.00031%); highest among the groups gnomAD compares: East Asian, 0.0045%; no homozygotes.

Submission:

Labcorp Genetics (formerly Invitae), Labcorp
Classification: Uncertain significance for Gorlin syndrome. Last evaluated: 2023-12-18. Review status: criteria provided, single submitter. Criteria: Invitae Variant Classification Sherloc (09022015). Collection method: clinical testing. Allele origin: germline.
Comment: This sequence change replaces glycine, which is neutral and non-polar, with glutamic acid, which is acidic and polar, at codon 859 of the PTCH2 protein (p.Gly859Glu). This variant is present in population databases (rs758057114, gnomAD 0.01%). This variant has not been reported in the literature in individuals affected with PTCH2-related conditions. Advanced modeling of protein sequence and biophysical properties (such as structural, functional, and spatial information, amino acid conservation, physicochemical variation, residue mobility, and thermodynamic stability) performed at Invitae indicates that this missense variant is not expected to disrupt PTCH2 protein function with a negative predictive value of 80%. In summary, the available evidence is currently insufficient to determine the role of this variant in disease. Therefore, it has been classified as a Variant of Uncertain Significance.

NM_003738.5(PTCH2):c.2576G>A (p.Gly859Glu)

Gene: PTCH2 (patched 2; minus strand). Cytogenetic location: 1p34.1.
Variant type: single nucleotide variant.
Coding change: c.2576G>A on transcript NM_003738.5 (MANE Select); coding-DNA position 2576, G replaced by A.
Protein change: p.Gly859Glu; replaces glycine 859 with glutamic acid.
Molecular consequence: missense variant.
Genome position (GRCh38, 1-based): chr1:44,827,021, C>T on the plus strand (G>A on the coding strand, the complement: PTCH2 is on the minus strand). VCF-style: chr1-44827021-C-T. GRCh37 (hg19) VCF-style: chr1-45292693-C-T.
Other names: c.2576G>A, p.Gly859Glu (NM_001166292.2); short protein forms G859E.
Identifiers: ClinVar variation 2986439 (VCV002986439.3), dbSNP rs758057114, ClinGen allele CA822960.